The following is an entry in ClinVar:

ClinVar aggregate classification (germline): Uncertain significance (1 of 4 stars; one submission).

Submission:

Labcorp Genetics (formerly Invitae), Labcorp
Classification: Uncertain significance. Last evaluated: 2025-04-26. Review status: criteria provided, single submitter. Criteria: Invitae Variant Classification Sherloc (09022015). Collection method: clinical testing. Allele origin: germline.
Comment: This sequence change falls in intron 4 of the ALPK3 gene. It does not directly change the encoded amino acid sequence of the ALPK3 protein. This variant is not present in population databases (gnomAD no frequency). This variant has not been reported in the literature in individuals affected with ALPK3-related conditions. Algorithms developed to predict the effect of sequence changes on RNA splicing suggest that this variant may disrupt the consensus splice site. In summary, the available evidence is currently insufficient to determine the role of this variant in disease. Therefore, it has been classified as a Variant of Uncertain Significance.

NM_020778.5(ALPK3):c.423-10_423-4del

Gene: ALPK3 (alpha kinase 3; plus strand). Cytogenetic location: 15q25.3.
Variant type: Deletion.
Coding change: c.423-10_423-4del on transcript NM_020778.5 (MANE Select); 10 bases into the intron before coding-DNA position 423 through 4 bases into the intron before coding-DNA position 423, 7 bases deleted (CTACCTC; older notation c.423-10_423-4delCTACCTC).
Molecular consequence: intron variant.
Genome position (GRCh38, 1-based): chr15:84,839,692-84,839,698, CTACCTC deleted; deleting any 7 consecutive bases within chr15:84,839,689-84,839,698 gives the same sequence; the c. name uses the placement nearest the transcript's 3' end. VCF-style (leftmost placement, unchanged base first): chr15-84839688-GCTCCTAC-G. GRCh37 (hg19) VCF-style: chr15-85382919-GCTCCTAC-G.
Identifiers: ClinVar variation 4718344 (VCV004718344.1).